The following is an entry in ClinVar:

ClinVar aggregate classification (germline): Conflicting classifications of pathogenicity. Review status: criteria provided, conflicting classifications (1 of 4 stars). 3 submissions from 3 submitters: Uncertain significance (2); Likely benign (1). Last evaluated 2026-01-01.

Allele frequency attached by ClinVar (database versions not stated): gnomAD 0.00002; gnomAD exomes 0.00004; TOPMed 0.00004; ExAC 0.00005.
gnomAD v4.1: 62 of 1,614,024 alleles (0.0038%); highest among the groups gnomAD compares: Middle Eastern, 0.016%; no homozygotes.

Submissions (3):

CeGaT Center for Human Genetics Tuebingen
Classification: Likely benign. Last evaluated: 2026-01-01. Review status: criteria provided, single submitter. Criteria: CeGaT Center For Human Genetics Tuebingen Variant Classification Criteria Version 2. Collection method: clinical testing. Allele origin: germline. Affected: yes. Observed: 1 variant allele.
Comment: MTMR14: BP4

Labcorp Genetics (formerly Invitae), Labcorp
Classification: Uncertain significance. Last evaluated: 2025-03-27. Review status: criteria provided, single submitter. Criteria: Invitae Variant Classification Sherloc (09022015). Collection method: clinical testing. Allele origin: germline.
Comment: This sequence change replaces arginine, which is basic and polar, with glutamine, which is neutral and polar, at codon 67 of the MTMR14 protein (p.Arg67Gln). This variant is present in population databases (rs772387395, gnomAD 0.009%). This variant has not been reported in the literature in individuals affected with MTMR14-related conditions. ClinVar contains an entry for this variant (Variation ID: 2689457). Invitae Evidence Modeling of protein sequence and biophysical properties (such as structural, functional, and spatial information, amino acid conservation, physicochemical variation, residue mobility, and thermodynamic stability) indicates that this missense variant is not expected to disrupt MTMR14 protein function with a negative predictive value of 80%. In summary, the available evidence is currently insufficient to determine the role of this variant in disease. Therefore, it has been classified as a Variant of Uncertain Significance.

Revvity Omics, Revvity
Classification: Uncertain significance. Last evaluated: 2019-08-30. Review status: criteria provided, single submitter. Criteria: ACMG Guidelines, 2015. Collection method: clinical testing. Allele origin: germline.

NM_001077525.3(MTMR14):c.200G>A (p.Arg67Gln)

Gene: MTMR14 (myotubularin related protein 14; plus strand). Cytogenetic location: 3p25.3.
Variant type: single nucleotide variant.
Coding change: c.200G>A on transcript NM_001077525.3 (MANE Select); coding-DNA position 200, G replaced by A.
Protein change: p.Arg67Gln; replaces arginine 67 with glutamine.
Molecular consequence: missense variant. On other transcripts: 5 prime UTR variant (14), non-coding transcript variant (8), intron variant (6).
Genome position (GRCh38, 1-based): chr3:9,653,661, G>A. VCF-style: chr3-9653661-G-A. GRCh37 (hg19) VCF-style: chr3-9695345-G-A.
Other names: c.200G>A, p.Arg67Gln (NM_001077526.3, NM_001400519.1, NM_001400520.1 and 9 more transcripts); c.269G>A, p.Arg90Gln (NM_001400518.1, NM_001400521.1, NM_001400526.1); c.-306G>A (NM_001400533.1, NM_001400539.1, NM_001400545.1); c.-367G>A (NM_001400534.1, NM_001400538.1, NM_001400541.1 and 3 more transcripts); c.-334G>A (NM_001400540.1); c.-379G>A (NM_001400544.1); c.-516G>A (NM_001400547.1); c.-440G>A (NM_001400548.1); and 4 more; short protein forms R67Q, R90Q.
Identifiers: ClinVar variation 2689457 (VCV002689457.9), dbSNP rs772387395, ClinGen allele CA2240197.
Genomic context (GRCh38, chr3:9,653,661, plus strand): 5'-TGGTCTCCTTCTCTGTGCAGGTTGAGCGCATTGAGAAGAGATGTCTGGAGCTGTTTGGCC[G>A]AGACTACTGTTTCAGCGTGATTCCAAACACGAATGGGGATATCTGTGGCCACTATCCCCG-3'
Protein context (NP_001070993.1, residues 57-77): IEKRCLELFG[Arg67Gln]DYCFSVIPNT